The following is an entry in ClinVar:

NM_001754.5(RUNX1):c.1253T>C (p.Met418Thr)

Gene: RUNX1 (RUNX family transcription factor 1; minus strand). Cytogenetic location: 21q22.12.
Variant type: single nucleotide variant.
Coding change: c.1253T>C on transcript NM_001754.5 (MANE Select); coding-DNA position 1253, T replaced by C.
Protein change: p.Met418Thr; replaces methionine 418 with threonine.
Molecular consequence: missense variant.
Genome position (GRCh38, 1-based): chr21:34,792,325, A>G on the plus strand (T>C on the coding strand, the complement: RUNX1 is on the minus strand). VCF-style: chr21-34792325-A-G. GRCh37 (hg19) VCF-style: chr21-36164622-A-G.
Other names: c.1172T>C, p.Met391Thr (NM_001001890.3); short protein forms M391T, M418T.
Identifiers: ClinVar variation 4629697 (VCV004629697.1).

ClinVar aggregate classification (germline): Uncertain significance (1 of 4 stars; one submission).

Conditions:
Inborn genetic diseases. Identifiers: MedGen C0950123, MeSH D030342.

Submission:

Ambry Genetics
Classification: Uncertain significance for Inborn genetic diseases. Last evaluated: 2025-10-15. Review status: criteria provided, single submitter. Criteria: Ambry Variant Classification Scheme 2023. Collection method: clinical testing. Allele origin: germline.
Comment: The p.M418T variant (also known as c.1253T>C), located in coding exon 8 of the RUNX1 gene, results from a T to C substitution at nucleotide position 1253. The methionine at codon 418 is replaced by threonine, an amino acid with similar properties. This amino acid position is well conserved in available vertebrate species. In addition, the in silico prediction for this alteration is inconclusive. Based on the available evidence, the clinical significance of this variant remains unclear.